The following is an entry in ClinVar:

NM_032444.4(SLX4):c.860del (p.Ser287fs)

Gene: SLX4 (SLX4 structure-specific endonuclease subunit; minus strand). Cytogenetic location: 16p13.3.
Variant type: Deletion.
Coding change: c.860del on transcript NM_032444.4 (MANE Select); coding-DNA position 860, one base deleted (G; older notation c.860delG).
Protein change: p.Ser287fs; shifts the reading frame from serine 287.
Molecular consequence: frameshift variant.
Genome position (GRCh38, 1-based): chr16:3,602,208, C deleted on the plus strand (G on the coding strand, the reverse complement: SLX4 is on the minus strand). VCF-style (leftmost placement, unchanged base first): chr16-3602207-GC-G. GRCh37 (hg19) VCF-style: chr16-3652208-GC-G.
Other names: c.860del (LRG_503t1); short protein forms S287fs.
Identifiers: ClinVar variation 456341 (VCV000456341.8), dbSNP rs752720263, ClinGen allele CA7866721.
Genomic context (GRCh38, chr16:3,602,207, plus strand): 5'-GTTCATGGCTGAGAGGTTCTTTTGACAAATCTGGCAGAAGAACAAACCCTTTTCCTCCAG[GC>G]TATCATCATGTGCCGATGCTCCTACCCGTGCAAACTCCTGCTGCAGGGTCAAGGCCACCG-3'

ClinVar aggregate classification (germline): Pathogenic/Likely pathogenic. Review status: criteria provided, multiple submitters, no conflicts (2 of 4 stars). 2 submissions from 2 submitters: Pathogenic (1); Likely pathogenic (1). Last evaluated 2025-11-15.

Conditions:
Fanconi anemia complementation group P. Also called: SLX4-Related Fanconi Anemia. Identifiers: Orphanet 84, MedGen C3469542, MONDO:0013499, OMIM 613951.
Fanconi anemia (FA). Also called: Fanconi's anemia. Identifiers: Orphanet 84, MedGen C0015625, MeSH D005199, MONDO:0019391.

Allele frequency attached by ClinVar (database versions not stated): ExAC 0.00001; gnomAD 0.00001; gnomAD exomes 0.00001 and 0.00003; TOPMed 0.00002; ESP Exome Variant Server 0.00008.

Submissions (2):

Labcorp Genetics (formerly Invitae), Labcorp
Classification: Pathogenic for Fanconi anemia. Last evaluated: 2025-11-15. Review status: criteria provided, single submitter. Criteria: Invitae Variant Classification Sherloc (09022015). Collection method: clinical testing. Allele origin: germline.
Comment: This sequence change creates a premature translational stop signal (p.Ser287Thrfs*20) in the SLX4 gene. It is expected to result in an absent or disrupted protein product. Loss-of-function variants in SLX4 are known to be pathogenic (PMID: 21240277). This variant is present in population databases (rs752720263, gnomAD 0.002%). This variant has not been reported in the literature in individuals affected with SLX4-related conditions. ClinVar contains an entry for this variant (Variation ID: 456341). For these reasons, this variant has been classified as Pathogenic.

Fulgent Genetics
Classification: Likely pathogenic for Fanconi anemia complementation group P. Last evaluated: 2021-06-30. Review status: criteria provided, single submitter. Criteria: ACMG Guidelines, 2015. Collection method: clinical testing. Allele origin: unknown.
Comment: This variant has been detected in individual(s) who were sent for testing of Renasight - kidney gene panel.

Literature cited by the submitters: PubMed 21240277 (cited by Labcorp Genetics (formerly Invitae), Labcorp).